The following is an entry in ClinVar:

ClinVar aggregate classification (germline): Uncertain significance (1 of 4 stars; one submission).

Conditions:
Epidermolysis bullosa simplex with nail dystrophy (EBS5D). Identifiers: MedGen C4225309, MONDO:0014661, OMIM 616487.
Epidermolysis bullosa simplex, Ogna type (EBS5A). Also called: EPIDERMOLYSIS BULLOSA SIMPLEX 5A, OGNA TYPE; Pidermolysis bullosa simplex 5A, Ogna type. Identifiers: Orphanet 79401, MedGen C0432317, MONDO:0007555, OMIM 131950.
Autosomal recessive limb-girdle muscular dystrophy type 2Q (LGMDR17). Also called: MUSCULAR DYSTROPHY, LIMB-GIRDLE, AUTOSOMAL RECESSIVE 17. Identifiers: Orphanet 254361, MedGen C3150989, MONDO:0013390, OMIM 613723.
Epidermolysis bullosa simplex 5B, with muscular dystrophy (EBS5B). Also called: EPIDERMOLYSIS BULLOSA SIMPLEX AND LIMB-GIRDLE MUSCULAR DYSTROPHY; Epidermolysis bullosa simplex with muscular dystrophy. Identifiers: Orphanet 257, MedGen C2931072, MONDO:0009181, OMIM 226670.
Epidermolysis bullosa simplex 5C, with pyloric atresia (EBS5C). Also called: PLEC1-Related Epidermolysis Bullosa with Pyloric Atresia; PLEC-Related Epidermolysis Bullosa with Pyloric Atresia; Epidermolysis bullosa simplex with pyloric atresia. Identifiers: Orphanet 158684, MedGen C2677349, MONDO:0012807, OMIM 612138.

gnomAD v4.1: 1 of 1,601,568 alleles (0.000062%); highest among the groups gnomAD compares: Non-Finnish European, 0.000085%; no homozygotes.

Submission:

Labcorp Genetics (formerly Invitae), Labcorp
Classification: Uncertain significance for Autosomal recessive limb-girdle muscular dystrophy type 2Q; Epidermolysis bullosa simplex, Ogna type; Epidermolysis bullosa simplex with nail dystrophy; Epidermolysis bullosa simplex 5C, with pyloric atresia; Epidermolysis bullosa simplex 5B, with muscular dystrophy. Last evaluated: 2024-11-30. Review status: criteria provided, single submitter. Criteria: Invitae Variant Classification Sherloc (09022015). Collection method: clinical testing. Allele origin: germline.
Comment: This sequence change replaces glycine, which is neutral and non-polar, with arginine, which is basic and polar, at codon 1062 of the PLEC protein (p.Gly1062Arg). This variant is present in population databases (rs782013905, gnomAD 0.02%). This variant has not been reported in the literature in individuals affected with PLEC-related conditions. Experimental studies and prediction algorithms are not available or were not evaluated, and the functional significance of this variant is currently unknown. In summary, the available evidence is currently insufficient to determine the role of this variant in disease. Therefore, it has been classified as a Variant of Uncertain Significance.

NM_201384.3(PLEC):c.3103G>A (p.Gly1035Arg)

Gene: PLEC (plectin; minus strand). Cytogenetic location: 8q24.3.
Variant type: single nucleotide variant.
Coding change: c.3103G>A on transcript NM_201384.3 (MANE Select); coding-DNA position 3103, G replaced by A.
Protein change: p.Gly1035Arg; replaces glycine 1035 with arginine.
Molecular consequence: missense variant.
Genome position (GRCh38, 1-based): chr8:143,929,260, C>T on the plus strand (G>A on the coding strand, the complement: PLEC is on the minus strand). VCF-style: chr8-143929260-C-T. GRCh37 (hg19) VCF-style: chr8-145003428-C-T.
Other names: c.3184G>A, p.Gly1062Arg (NM_000445.5, NM_001410941.1); c.3061G>A, p.Gly1021Arg (NM_201378.4); c.3037G>A, p.Gly1013Arg (NM_201379.3); c.3514G>A, p.Gly1172Arg (NM_201380.4); c.3007G>A, p.Gly1003Arg (NM_201381.3); c.3103G>A, p.Gly1035Arg (NM_201382.4); c.3115G>A, p.Gly1039Arg (NM_201383.3); short protein forms G1003R, G1013R, G1021R, G1035R, G1039R, G1062R, G1172R.
Identifiers: ClinVar variation 3760736 (VCV003760736.2).